The following is an entry in ClinVar:

NM_013275.6(ANKRD11):c.6288G>T (p.Gly2096=)

Gene: ANKRD11 (ankyrin repeat domain containing 11; minus strand). Cytogenetic location: 16q24.3.
Variant type: single nucleotide variant.
Coding change: c.6288G>T on transcript NM_013275.6 (MANE Select); coding-DNA position 6288, G replaced by T.
Protein change: p.Gly2096=; no amino-acid change (glycine 2096 retained).
Molecular consequence: synonymous variant.
Genome position (GRCh38, 1-based): chr16:89,280,254, C>A on the plus strand (G>T on the coding strand, the complement: ANKRD11 is on the minus strand). VCF-style: chr16-89280254-C-A. GRCh37 (hg19) VCF-style: chr16-89346662-C-A.
Other names: c.6288G>T, p.Gly2096= (NM_001256182.2, NM_001256183.2).
Identifiers: ClinVar variation 3345056 (VCV003345056.1).
Genomic context (GRCh38, chr16:89,280,254, plus strand): 5'-CTCCACCTGGCCGAGGTGAGACAGGCCGCGGCTGCCGTCCAGGAAGCTATTTTCCAGGGG[C>A]CCCAGAGCCTCCACCTGAGCCACAGCGGCTACACAGGCGGGCTCGGGGGCCACGTCCAGC-3'
Protein context (NP_037407.4, residues 2086-2106): VAAVAQVEAL[Gly2096=]PLENSFLDGS

ClinVar aggregate classification (germline): Likely benign (0 of 4 stars; one submission).

Conditions:
ANKRD11-related disorder. Also called: ANKRD11-related condition.

Submission:

PreventionGenetics, part of Exact Sciences
Classification: Likely benign for ANKRD11-related condition. Last evaluated: 2024-03-27. Review status: no assertion criteria provided. Collection method: clinical testing. Allele origin: germline.
Comment: This variant is classified as likely benign based on ACMG/AMP sequence variant interpretation guidelines (Richards et al. 2015 PMID: 25741868, with internal and published modifications).